The following is an entry in ClinVar:

ClinVar aggregate classification (germline): Uncertain significance (1 of 4 stars; one submission).

Conditions:
Fanconi anemia (FA). Also called: Fanconi's anemia. Identifiers: Orphanet 84, MedGen C0015625, MeSH D005199, MONDO:0019391.

Submission:

Labcorp Genetics (formerly Invitae), Labcorp
Classification: Uncertain significance for Fanconi anemia. Last evaluated: 2025-03-31. Review status: criteria provided, single submitter. Criteria: Invitae Variant Classification Sherloc (09022015). Collection method: clinical testing. Allele origin: germline.
Comment: This sequence change replaces threonine, which is neutral and polar, with isoleucine, which is neutral and non-polar, at codon 990 of the FANCI protein (p.Thr990Ile). This variant is not present in population databases (gnomAD no frequency). This variant has not been reported in the literature in individuals affected with FANCI-related conditions. ClinVar contains an entry for this variant (Variation ID: 1038279). Invitae Evidence Modeling of protein sequence and biophysical properties (such as structural, functional, and spatial information, amino acid conservation, physicochemical variation, residue mobility, and thermodynamic stability) indicates that this missense variant is not expected to disrupt FANCI protein function with a negative predictive value of 80%. In summary, the available evidence is currently insufficient to determine the role of this variant in disease. Therefore, it has been classified as a Variant of Uncertain Significance.

NM_001113378.2(FANCI):c.2969C>T (p.Thr990Ile)

Gene: FANCI (FA complementation group I; plus strand). Cytogenetic location: 15q26.1.
Variant type: single nucleotide variant.
Coding change: c.2969C>T on transcript NM_001113378.2 (MANE Select); coding-DNA position 2969, C replaced by T.
Protein change: p.Thr990Ile; replaces threonine 990 with isoleucine.
Molecular consequence: missense variant.
Genome position (GRCh38, 1-based): chr15:89,301,405, C>T. VCF-style: chr15-89301405-C-T. GRCh37 (hg19) VCF-style: chr15-89844636-C-T.
Other names: c.2690C>T, p.Thr897Ile (NM_001376910.1); c.2969C>T, p.Thr990Ile (NM_001376911.1); c.2789C>T, p.Thr930Ile (NM_018193.3); short protein forms T990I, T897I, T930I.
Identifiers: ClinVar variation 1038279 (VCV001038279.7), dbSNP rs762231803, ClinGen allele CA393737872.